The following is an entry in ClinVar:

NM_021942.6(TRAPPC11):c.117C>G (p.Ala39=)

Gene: TRAPPC11 (trafficking protein particle complex subunit 11; plus strand). Cytogenetic location: 4q35.1.
Variant type: single nucleotide variant.
Coding change: c.117C>G on transcript NM_021942.6 (MANE Select); coding-DNA position 117, C replaced by G.
Protein change: p.Ala39=; no amino-acid change (alanine 39 retained).
Molecular consequence: synonymous variant.
Genome position (GRCh38, 1-based): chr4:183,663,984, C>G. VCF-style: chr4-183663984-C-G. GRCh37 (hg19) VCF-style: chr4-184585137-C-G.
Other names: p.Ala39=; c.117C>G, p.Ala39= (NM_199053.3).
Identifiers: ClinVar variation 261441 (VCV000261441.16), dbSNP rs145842147, ClinGen allele CA3151483.

ClinVar aggregate classification (germline): Benign/Likely benign. Review status: criteria provided, multiple submitters, no conflicts (2 of 4 stars). 5 submissions from 5 submitters: Benign (4); Likely benign (1). Last evaluated 2026-01-28.

Conditions:
Autosomal recessive limb-girdle muscular dystrophy type R18 (LGMDR18). Also called: MUSCULAR DYSTROPHY, LIMB-GIRDLE, AUTOSOMAL RECESSIVE 18; Limb-girdle muscular dystrophy, type 2S; Autosomal recessive limb-girdle muscular dystrophy type 2S. Identifiers: Orphanet 369840, MedGen C4517996, MONDO:0014144, OMIM 615356.

Allele frequency attached by ClinVar (database versions not stated): gnomAD 0.00056 and 0.00096; TOPMed 0.00127; ExAC 0.00197; gnomAD exomes 0.00212; 1000 Genomes Project 30x 0.00547; 1000 Genomes Project 0.00599.
gnomAD v4.1: 1,624 of 1,614,070 alleles (0.1%); highest among the groups gnomAD compares: East Asian, 3%; 21 homozygotes.

Submissions (5):

Labcorp Genetics (formerly Invitae), Labcorp
Classification: Benign for Autosomal recessive limb-girdle muscular dystrophy type R18. Last evaluated: 2026-01-28. Review status: criteria provided, single submitter. Criteria: Invitae Variant Classification Sherloc (09022015). Collection method: clinical testing. Allele origin: germline.

Athena Diagnostics
Classification: Benign. Last evaluated: 2024-06-24. Review status: criteria provided, single submitter. Criteria: Athena Diagnostics Criteria. Collection method: clinical testing. Allele origin: unknown.

Mayo Clinic Laboratories, Mayo Clinic
Classification: Benign. Last evaluated: 2022-03-30. Review status: criteria provided, single submitter. Criteria: ACMG Guidelines, 2015. Collection method: clinical testing. Allele origin: germline. Observed: 2 variant alleles.
Comment: BS1, BS2, BP4, BP7

GeneDx
Classification: Likely benign. Last evaluated: 2020-02-19. Review status: criteria provided, single submitter. Criteria: GeneDx Variant Classification Process June 2021. Collection method: clinical testing. Allele origin: germline. Affected: yes.

PreventionGenetics, part of Exact Sciences
Classification: Benign. Review status: criteria provided, single submitter. Criteria: ACMG Guidelines, 2015. Collection method: clinical testing. Allele origin: germline.